The following is an entry in ClinVar:

ClinVar aggregate classification (germline): Uncertain significance (1 of 4 stars; one submission).

Allele frequency attached by ClinVar (database versions not stated): gnomAD exomes below 0.00001.
gnomAD v4.1: 1 of 1,614,132 alleles (0.000062%); highest among the groups gnomAD compares: South Asian, 0.0011%; no homozygotes.

Submission:

Labcorp Genetics (formerly Invitae), Labcorp
Classification: Uncertain significance. Last evaluated: 2022-08-24. Review status: criteria provided, single submitter. Criteria: Invitae Variant Classification Sherloc (09022015). Collection method: clinical testing. Allele origin: germline.
Comment: In summary, the available evidence is currently insufficient to determine the role of this variant in disease. Therefore, it has been classified as a Variant of Uncertain Significance. Algorithms developed to predict the effect of missense changes on protein structure and function are either unavailable or do not agree on the potential impact of this missense change (SIFT: "Not Available"; PolyPhen-2: "Benign"; Align-GVGD: "Not Available"). This variant has not been reported in the literature in individuals affected with USB1-related conditions. This variant is not present in population databases (gnomAD no frequency). This sequence change replaces asparagine, which is neutral and polar, with threonine, which is neutral and polar, at codon 51 of the USB1 protein (p.Asn51Thr).

NM_024598.4(USB1):c.152A>C (p.Asn51Thr)

Gene: USB1 (U6 snRNA biogenesis phosphodiesterase 1; plus strand). Cytogenetic location: 16q21.
Variant type: single nucleotide variant.
Coding change: c.152A>C on transcript NM_024598.4 (MANE Select); coding-DNA position 152, A replaced by C.
Protein change: p.Asn51Thr; replaces asparagine 51 with threonine.
Molecular consequence: missense variant. On other transcripts: 5 prime UTR variant (1).
Genome position (GRCh38, 1-based): chr16:58,002,532, A>C. VCF-style: chr16-58002532-A-C. GRCh37 (hg19) VCF-style: chr16-58036436-A-C.
Other names: c.152A>C, p.Asn51Thr (NM_001195302.2, NM_001204911.2, NM_001330569.2); c.-2A>C (NM_001330568.2); short protein forms N51T.
Identifiers: ClinVar variation 1717973 (VCV001717973.6), dbSNP rs2544719556, ClinGen allele CA396085472.
Genomic context (GRCh38, chr16:58,002,532, plus strand): 5'-TTTGCAGTGGCCAGAGCCCCCTTCCCAGGCAGAGATTTCCAGTACCTGACAGTGTGCTGA[A>C]CATGTTCCCGGGCACCGAGGAGGGGCCTGAAGATGACAGCACAAAACACGGGGGACGGGT-3'
Protein context (NP_078874.2, residues 41-61): QRFPVPDSVL[Asn51Thr]MFPGTEEGPE